The following is an entry in ClinVar:

ClinVar aggregate classification (germline): Likely pathogenic (1 of 4 stars; one submission).

Conditions:
Abetalipoproteinaemia (ABL). Also called: Abetalipoproteinemia; Abetalipoproteinemia neuropathy; Apolipoprotein B deficiency; Congenital betalipoprotein deficiency syndrome; MTP DEFICIENCY. Identifiers: Orphanet 14, MedGen C0000744, MONDO:0008692, OMIM 200100, HP:0008181.

Submission:

Myriad Genetics, Inc.
Classification: Likely pathogenic for Abetalipoproteinaemia. Last evaluated: 2019-05-14. Review status: criteria provided, single submitter. Criteria: Myriad Women's Health Autosomal Recessive and X-Linked Classification Criteria (2019). Collection method: clinical testing. Allele origin: unknown.
Comment: NM_000253.2(MTTP):c.1959C>A(Y653*) is expected to be pathogenic in the context of abetalipoproteinemia. This variant is predicted to lead to an abnormal or absent protein product due to the creation of a premature termination codon in MTTP, a gene where loss-of-function variants are known to be pathogenic. Please note: this variant was assessed in the context of healthy population screening.

NM_001386140.1(MTTP):c.1959C>A (p.Tyr653Ter)

Gene: MTTP (microsomal triglyceride transfer protein; plus strand). Cytogenetic location: 4q23.
Variant type: single nucleotide variant.
Coding change: c.1959C>A on transcript NM_001386140.1 (MANE Select); coding-DNA position 1959, C replaced by A.
Protein change: p.Tyr653Ter; replaces tyrosine 653 with a stop codon.
Molecular consequence: nonsense.
Genome position (GRCh38, 1-based): chr4:99,611,423, C>A. VCF-style: chr4-99611423-C-A. GRCh37 (hg19) VCF-style: chr4-100532580-C-A.
Other names: c.1959C>A, p.Tyr653Ter (NM_000253.4); c.1710C>A, p.Tyr570Ter (NM_001300785.2); short protein forms Y570*, Y653*.
Identifiers: ClinVar variation 983774 (VCV000983774.3), dbSNP rs1725953201, ClinGen allele CA357516091.
Genomic context (GRCh38, chr4:99,611,423, plus strand): 5'-AGACATTCTCTACTCGGGTTCTGGCATTCTAAGGAGAAGTAACCTGAACATCTTTCAGTA[C>A]ATTGGGAAGGCTGGTCTTCACGGTAGCCAGGTAACTCACTTCTCATGGATTTTGCTTAAT-3'